The following is an entry in ClinVar:

ClinVar aggregate classification (germline): Uncertain significance (1 of 4 stars; one submission).

gnomAD v4.1: 1 of 1,613,956 alleles (0.000062%); highest among the groups gnomAD compares: Non-Finnish European, 0.000085%; no homozygotes.

Submission:

GeneDx
Classification: Uncertain significance. Last evaluated: 2023-12-14. Review status: criteria provided, single submitter. Criteria: GeneDx Variant Classification Process June 2021. Collection method: clinical testing. Allele origin: germline. Affected: yes.
Comment: Not observed at significant frequency in large population cohorts (gnomAD); In silico analysis supports that this missense variant does not alter protein structure/function; Has not been previously published as pathogenic or benign to our knowledge

NM_032119.4(ADGRV1):c.10264G>A (p.Ala3422Thr)

Gene: ADGRV1 (adhesion G protein-coupled receptor V1; plus strand). Cytogenetic location: 5q14.3.
Variant type: single nucleotide variant.
Coding change: c.10264G>A on transcript NM_032119.4 (MANE Select); coding-DNA position 10264, G replaced by A.
Protein change: p.Ala3422Thr; replaces alanine 3422 with threonine.
Molecular consequence: missense variant. On other transcripts: non-coding transcript variant (1).
Genome position (GRCh38, 1-based): chr5:90,728,771, G>A. VCF-style: chr5-90728771-G-A. GRCh37 (hg19) VCF-style: chr5-90024588-G-A.
Other names: short protein forms A3422T.
Identifiers: ClinVar variation 3365397 (VCV003365397.1).